The following is an entry in ClinVar:

NM_006947.4(SRP72):c.957+1G>C

Gene: SRP72 (signal recognition particle 72; plus strand). Cytogenetic location: 4q12.
Variant type: single nucleotide variant.
Coding change: c.957+1G>C on transcript NM_006947.4 (MANE Select); the canonical splice donor site of the intron after coding-DNA position 957, G replaced by C.
Molecular consequence: splice donor variant.
Genome position (GRCh38, 1-based): chr4:56,483,271, G>C. VCF-style: chr4-56483271-G-C. GRCh37 (hg19) VCF-style: chr4-57349437-G-C.
Other names: c.774+1G>C (NM_001267722.2).
Identifiers: ClinVar variation 4806452 (VCV004806452.1).
Genomic context (GRCh38, chr4:56,483,271, plus strand): 5'-AAGAAACAACTACAAGCTATAGAATTTAACAAAGCTTTACTTGCTATGTACACAAACCAG[G>C]TGGGTAATTACCTTTGGTGTCATGGCTAAACCTTTTGTAATATGGTATATGAGGAGTAAT-3'

ClinVar aggregate classification (germline): Uncertain significance (1 of 4 stars; one submission).

Submission:

Labcorp Genetics (formerly Invitae), Labcorp
Classification: Uncertain significance. Last evaluated: 2025-07-06. Review status: criteria provided, single submitter. Criteria: Invitae Variant Classification Sherloc (09022015). Collection method: clinical testing. Allele origin: germline.
Comment: This sequence change affects a donor splice site in intron 9 of the SRP72 gene. It is expected to disrupt RNA splicing. Variants that disrupt the donor or acceptor splice site typically lead to a loss of protein function (PMID: 16199547), however the current clinical and genetic evidence is not sufficient to establish whether loss-of-function variants in SRP72 cause disease. This variant is not present in population databases (gnomAD no frequency). This variant has not been reported in the literature in individuals affected with SRP72-related conditions. Algorithms developed to predict the effect of sequence changes on RNA splicing suggest that this variant may disrupt the consensus splice site. In summary, the available evidence is currently insufficient to determine the role of this variant in disease. Therefore, it has been classified as a Variant of Uncertain Significance.

Literature cited by the submitters: PubMed 16199547.